The following is an entry in ClinVar:

ClinVar aggregate classification (germline): Uncertain significance (1 of 4 stars; one submission).

gnomAD v4.1: 1 of 1,610,100 alleles (0.000062%); highest among the groups gnomAD compares: African/African-American, 0.0013%; no homozygotes.

Submission:

GeneDx
Classification: Uncertain significance. Last evaluated: 2024-01-02. Review status: criteria provided, single submitter. Criteria: GeneDx Variant Classification Process June 2021. Collection method: clinical testing. Allele origin: germline. Affected: yes.
Comment: Not observed at significant frequency in large population cohorts (gnomAD); In silico analysis supports that this missense variant has a deleterious effect on protein structure/function; Has not been previously published as pathogenic or benign to our knowledge

NM_001374353.1(GLI2):c.4028G>A (p.Gly1343Glu)

Gene: GLI2 (GLI family zinc finger 2; plus strand). Cytogenetic location: 2q14.2.
Variant type: single nucleotide variant.
Coding change: c.4028G>A on transcript NM_001374353.1 (MANE Select); coding-DNA position 4028, G replaced by A.
Protein change: p.Gly1343Glu; replaces glycine 1343 with glutamic acid.
Molecular consequence: missense variant.
Genome position (GRCh38, 1-based): chr2:120,989,993, G>A. VCF-style: chr2-120989993-G-A. GRCh37 (hg19) VCF-style: chr2-121747569-G-A.
Other names: c.4079G>A, p.Gly1360Glu (NM_001371271.1, NM_005270.5); c.3653G>A, p.Gly1218Glu (NM_001374354.1); short protein forms G1218E, G1343E, G1360E.
Identifiers: ClinVar variation 3252527 (VCV003252527.1), dbSNP rs777551364.
Genomic context (GRCh38, chr2:120,989,993, plus strand): 5'-TCCCCAGCCTTCTGCCTGCCCGCCAGCCTGGCTTCATGGAGCCCCAAACAGGCCCGATGG[G>A]GGTGGCTACAGCAGGCTTTGGCCTAGTGCAGCCCCGGCCTCCCCTCGAGCCCAGCCCCAC-3'
Protein context (NP_001361282.1, residues 1333-1353): GFMEPQTGPM[Gly1343Glu]VATAGFGLVQ